The following is an entry in ClinVar:

ClinVar aggregate classification (germline): Uncertain significance (1 of 4 stars; one submission).

Allele frequency attached by ClinVar (database versions not stated): gnomAD 0.00001.
gnomAD v4.1: 3 of 1,609,218 alleles (0.00019%); highest among the groups gnomAD compares: African/African-American, 0.0013%; no homozygotes.

Submission:

Labcorp Genetics (formerly Invitae), Labcorp
Classification: Uncertain significance. Last evaluated: 2023-10-13. Review status: criteria provided, single submitter. Criteria: Invitae Variant Classification Sherloc (09022015). Collection method: clinical testing. Allele origin: germline.
Comment: This sequence change replaces glycine, which is neutral and non-polar, with arginine, which is basic and polar, at codon 370 of the KCNV2 protein (p.Gly370Arg). This variant is not present in population databases (gnomAD no frequency). This variant has not been reported in the literature in individuals affected with KCNV2-related conditions. ClinVar contains an entry for this variant (Variation ID: 1035793). Advanced modeling of protein sequence and biophysical properties (such as structural, functional, and spatial information, amino acid conservation, physicochemical variation, residue mobility, and thermodynamic stability) performed at Invitae indicates that this missense variant is not expected to disrupt KCNV2 protein function. In summary, the available evidence is currently insufficient to determine the role of this variant in disease. Therefore, it has been classified as a Variant of Uncertain Significance.

NM_133497.4(KCNV2):c.1108G>C (p.Gly370Arg)

Gene: KCNV2 (potassium voltage-gated channel modifier subfamily V member 2; plus strand). Cytogenetic location: 9p24.2.
Variant type: single nucleotide variant.
Coding change: c.1108G>C on transcript NM_133497.4 (MANE Select); coding-DNA position 1108, G replaced by C.
Protein change: p.Gly370Arg; replaces glycine 370 with arginine.
Molecular consequence: missense variant.
Genome position (GRCh38, 1-based): chr9:2,718,847, G>C. VCF-style: chr9-2718847-G-C. GRCh37 (hg19) VCF-style: chr9-2718847-G-C.
Other names: short protein forms G370R.
Identifiers: ClinVar variation 1035793 (VCV001035793.8), dbSNP rs1307515949, ClinGen allele CA372801905.
Genomic context (GRCh38, chr9:2,718,847, plus strand): 5'-CTGCTGCTCGAGTGCTTCACGGGCGAGGGCCACCAACGCGGCCAGACGGTGGGCAGCGTG[G>C]GTAAGGTGGGTCAGGTGTTGCGCGTCATGCGCCTCATGCGCATCTTCCGCATCCTCAAGC-3'
Protein context (NP_598004.1, residues 360-380): HQRGQTVGSV[Gly370Arg]KVGQVLRVMR